The following is an entry in ClinVar:

NM_024675.4(PALB2):c.3086del (p.Thr1029fs)

Gene: PALB2 (partner and localizer of BRCA2; minus strand). Cytogenetic location: 16p12.2.
Variant type: Deletion.
Coding change: c.3086del on transcript NM_024675.4 (MANE Select); coding-DNA position 3086, one base deleted (C; older notation c.3086delC).
Protein change: p.Thr1029fs; shifts the reading frame from threonine 1029.
Molecular consequence: frameshift variant. On other transcripts: intron variant (1).
Genome position (GRCh38, 1-based): chr16:23,621,389, G deleted on the plus strand (C on the coding strand, the reverse complement: PALB2 is on the minus strand). VCF-style (leftmost placement, unchanged base first): chr16-23621388-AG-A. GRCh37 (hg19) VCF-style: chr16-23632709-AG-A.
Other names: c.3026del, p.Thr1009fs (NM_001407296.1); c.3014del, p.Thr1005fs (NM_001407297.1); c.2924del, p.Thr975fs (NM_001407298.1, NM_001407302.1); c.3086del, p.Thr1029fs (NM_001407299.1, NM_001407301.1); c.2201del, p.Thr734fs (NM_001407304.1, NM_001407305.1, NM_001407306.1 and 4 more transcripts); c.2039del, p.Thr680fs (NM_001407307.1); c.1298del, p.Thr433fs (NM_001407312.1, NM_001407313.1); c.620del, p.Thr207fs (NM_001407314.1); and 1 more; short protein forms T680fs, T1009fs, T734fs, T1029fs, T433fs, T1005fs, T207fs, T975fs.
Identifiers: ClinVar variation 3927442 (VCV003927442.1).
Genomic context (GRCh38, chr16:23,621,388, plus strand): 5'-ATGAGGGAACTGAGGACCTAGAGGGAAAGCTTACCAAATAACAATGTTGTTCATAATAGT[AG>A]TACCAAGCAGAGCTTCTTGCATCCCTTGGACCTCAGCAAAAGTTAGTATAGTCTCCTCAG-3'

ClinVar aggregate classification (germline): Pathogenic (1 of 4 stars; one submission).

Conditions:
Hereditary cancer-predisposing syndrome. Also called: Hereditary Cancer Syndrome; Hereditary neoplastic syndrome; Neoplastic Syndromes, Hereditary; Tumor predisposition. Identifiers: Orphanet 140162, MedGen C0027672, MeSH D009386, MONDO:0015356.

Submission:

Ambry Genetics
Classification: Pathogenic for Hereditary cancer-predisposing syndrome. Last evaluated: 2025-05-23. Review status: criteria provided, single submitter. Criteria: Ambry Variant Classification Scheme 2023. Collection method: clinical testing. Allele origin: germline.
Comment: The c.3086delC pathogenic mutation, located in coding exon 10 of the PALB2 gene, results from a deletion of one nucleotide at nucleotide position 3086, causing a translational frameshift with a predicted alternate stop codon (p.T1029Ifs*4). This variant is considered to be rare based on population cohorts in the Genome Aggregation Database (gnomAD). This alteration is expected to result in loss of function by premature protein truncation or nonsense-mediated mRNA decay. As such, this alteration is interpreted as a disease-causing mutation.